The following is an entry in ClinVar:

ClinVar aggregate classification (germline): Uncertain significance. Review status: criteria provided, multiple submitters, no conflicts (2 of 4 stars). 4 submissions from 4 submitters: Uncertain significance (3). 1 of the submissions does not count toward it. Last evaluated 2026-07-01.

Conditions:
Glucose-6-phosphate transport defect (GSD1B). Also called: Glycogen Storage Disease Type Ib; GSD Ib. Identifiers: Orphanet 364, Orphanet 79259, MedGen C0268146, MONDO:0009288, OMIM 232220.

Allele frequency attached by ClinVar (database versions not stated): gnomAD exomes below 0.00001; gnomAD 0.00003 and 0.00004; TOPMed 0.00007.

Submissions (4):

CeGaT Center for Human Genetics Tuebingen
Classification: Uncertain significance. Last evaluated: 2026-07-01. Review status: criteria provided, single submitter. Criteria: CeGaT Center For Human Genetics Tuebingen Variant Classification Criteria Version 2. Collection method: clinical testing. Allele origin: germline. Affected: yes. Observed: 1 variant allele.
Comment: SLC37A4: PM2, BP4

Labcorp Genetics (formerly Invitae), Labcorp
Classification: Uncertain significance for Glucose-6-phosphate transport defect. Last evaluated: 2024-08-03. Review status: criteria provided, single submitter. Criteria: Invitae Variant Classification Sherloc (09022015). Collection method: clinical testing. Allele origin: germline.
Comment: This sequence change replaces serine, which is neutral and polar, with threonine, which is neutral and polar, at codon 407 of the SLC37A4 protein (p.Ser407Thr). This variant is not present in population databases (gnomAD no frequency). This variant has not been reported in the literature in individuals affected with SLC37A4-related conditions. ClinVar contains an entry for this variant (Variation ID: 215184). Advanced modeling of protein sequence and biophysical properties (such as structural, functional, and spatial information, amino acid conservation, physicochemical variation, residue mobility, and thermodynamic stability) performed at Invitae indicates that this missense variant is not expected to disrupt SLC37A4 protein function with a negative predictive value of 80%. In summary, the available evidence is currently insufficient to determine the role of this variant in disease. Therefore, it has been classified as a Variant of Uncertain Significance.

GeneDx
Classification: Uncertain significance. Last evaluated: 2014-11-17. Review status: criteria provided, single submitter. Criteria: GeneDx Variant Classification (06012015). Collection method: clinical testing. Allele origin: germline. Affected: yes.
Comment: p.Ser407Thr (AGC>ACC): c.1220 G>C in exon 10 of the SLC37A4 gene (NM_001164277.1) A variant of unknown significance has been identified in the SLC37A4 gene. The S407T variant is a conservative amino acid substitution, which is not likely to impact secondary protein structure as these residues share similar properties. This substitution occurs at a position that is moderately conserved across species. In silico analysis predicts this variant likely does not alter the protein structure/function. A missense mutations in a nearby residue (R415G) has been reported in association with glycogen storage disease 1b, supporting the functional importance of this region of the protein. Therefore, based on the currently available information, it is unclear whether this variant is a pathogenic mutation or a rare benign variant. The variant is found in MITONUC-MITOP panel(s).

Natera, Inc.
Classification: Uncertain significance for Glycogen storage disease type Ib. Last evaluated: 2020-11-20. Review status: no assertion criteria provided. Collection method: clinical testing. Allele origin: germline. Not counted in ClinVar's aggregate classification.

NM_001164277.2(SLC37A4):c.1220G>C (p.Ser407Thr)

Gene: SLC37A4 (solute carrier family 37 member 4; minus strand). Cytogenetic location: 11q23.3.
Variant type: single nucleotide variant.
Coding change: c.1220G>C on transcript NM_001164277.2 (MANE Select); coding-DNA position 1220, G replaced by C.
Protein change: p.Ser407Thr; replaces serine 407 with threonine.
Molecular consequence: missense variant.
Genome position (GRCh38, 1-based): chr11:119,024,980, C>G on the plus strand (G>C on the coding strand, the complement: SLC37A4 is on the minus strand). VCF-style: chr11-119024980-C-G. GRCh37 (hg19) VCF-style: chr11-118895690-C-G.
Other names: c.1286G>C, p.Ser429Thr (NM_001164278.2); c.1001G>C, p.Ser334Thr (NM_001164279.2); c.1220G>C, p.Ser407Thr (NM_001164280.2, NM_001467.6); short protein forms S407T, S334T, S429T.
Identifiers: ClinVar variation 215184 (VCV000215184.13), dbSNP rs863224212, ClinGen allele CA320433.